The following is an entry in ClinVar:

ClinVar aggregate classification (germline): Uncertain significance. Review status: criteria provided, multiple submitters, no conflicts (2 of 4 stars). 5 submissions from 4 submitters: Uncertain significance (5). Last evaluated 2025-11-01.

Conditions:
Developmental and epileptic encephalopathy, 14 (DEE14). Also called: Early infantile epileptic encephalopathy 14. Identifiers: Orphanet 293181, MedGen C3554195, MONDO:0013989, OMIM 614959.
Autosomal dominant nocturnal frontal lobe epilepsy 5. Also called: Epilepsy, nocturnal frontal lobe, 5; CILIARY DYSKINESIA, PRIMARY, 28, WITHOUT SITUS INVERSUS; CILIARY DYSKINESIA, PRIMARY, 28, WITH SITUS INVERSUS; KCNT1-Related Epilepsy. Identifiers: Orphanet 98784, MedGen C3554306, MONDO:0014002, OMIM 615005.
Inborn genetic diseases. Identifiers: MedGen C0950123, MeSH D030342.

Submissions (5):

CeGaT Center for Human Genetics Tuebingen
Classification: Uncertain significance. Last evaluated: 2025-11-01. Review status: criteria provided, single submitter. Criteria: CeGaT Center For Human Genetics Tuebingen Variant Classification Criteria Version 2. Collection method: clinical testing. Allele origin: germline. Affected: yes. Observed: 1 variant allele.
Comment: KCNT1: PM2, BP4

Genome-Nilou Lab
Classification: Uncertain significance for Developmental and epileptic encephalopathy, 14. Last evaluated: 2022-03-15. Review status: criteria provided, single submitter. Criteria: ACMG Guidelines, 2015. Collection method: clinical testing. Allele origin: germline. Affected: no.

Genome-Nilou Lab
Classification: Uncertain significance for Autosomal dominant nocturnal frontal lobe epilepsy 5. Last evaluated: 2022-03-15. Review status: criteria provided, single submitter. Criteria: ACMG Guidelines, 2015. Collection method: clinical testing. Allele origin: germline. Affected: no.

Labcorp Genetics (formerly Invitae), Labcorp
Classification: Uncertain significance for Autosomal dominant nocturnal frontal lobe epilepsy 5; Developmental and epileptic encephalopathy, 14. Last evaluated: 2022-02-10. Review status: criteria provided, single submitter. Criteria: Invitae Variant Classification Sherloc (09022015). Collection method: clinical testing. Allele origin: germline.
Comment: Advanced modeling of protein sequence and biophysical properties (such as structural, functional, and spatial information, amino acid conservation, physicochemical variation, residue mobility, and thermodynamic stability) performed at Invitae indicates that this missense variant is not expected to disrupt KCNT1 protein function. ClinVar contains an entry for this variant (Variation ID: 589893). This variant has not been reported in the literature in individuals affected with KCNT1-related conditions. This variant is not present in population databases (gnomAD no frequency). This sequence change replaces serine, which is neutral and polar, with proline, which is neutral and non-polar, at codon 300 of the KCNT1 protein (p.Ser300Pro). In summary, the available evidence is currently insufficient to determine the role of this variant in disease. Therefore, it has been classified as a Variant of Uncertain Significance.

Ambry Genetics
Classification: Uncertain significance for Inborn genetic diseases. Last evaluated: 2016-08-08. Review status: criteria provided, single submitter. Criteria: Ambry Variant Classification Scheme 2023. Collection method: clinical testing. Allele origin: germline.
Comment: The p.S300P variant (also known as c.898T>C), located in coding exon 11 of the KCNT1 gene, results from a T to C substitution at nucleotide position 898. The serine at codon 300 is replaced by proline, an amino acid with similar properties. This variant was not reported in population based cohorts in the following databases: Database of Single Nucleotide Polymorphisms (dbSNP), NHLBI Exome Sequencing Project (ESP), and 1000 Genomes Project. In the ESP, this variant was not observed in 6503 samples (13006 alleles) with coverage at this position. This amino acid position is not well conserved on species alignment. In addition, the in silico prediction for this alteration is inconclusive. Since supporting evidence is limited at this time, the clinical significance of this variant remains unclear.

NM_020822.3(KCNT1):c.898T>C (p.Ser300Pro)

Gene: KCNT1 (potassium sodium-activated channel subfamily T member 1; plus strand). Cytogenetic location: 9q34.3.
Variant type: single nucleotide variant.
Coding change: c.898T>C on transcript NM_020822.3 (MANE Select); coding-DNA position 898, T replaced by C.
Protein change: p.Ser300Pro; replaces serine 300 with proline.
Molecular consequence: missense variant.
Genome position (GRCh38, 1-based): chr9:135,759,722, T>C. VCF-style: chr9-135759722-T-C. GRCh37 (hg19) VCF-style: chr9-138651568-T-C.
Other names: c.763T>C, p.Ser255Pro (NM_001272003.2); short protein forms S300P, S255P.
Identifiers: ClinVar variation 589893 (VCV000589893.21), dbSNP rs1564356207, ClinGen allele CA375498444.
Genomic context (GRCh38, chr9:135,759,722, plus strand): 5'-ACTGCCAGGGGTTGCAGGACCTGCGGCATCCAGCACCTGGAGCGGGCGGGCGAGAACCTG[T>C]CCCTCCTGACCTCCTTCTACTTCTGCATCGTCACCTTCTCCACCGTGGGCTACGGTGACG-3'
Protein context (NP_065873.2, residues 290-310): QHLERAGENL[Ser300Pro]LLTSFYFCIV